The following is an entry in ClinVar:

ClinVar aggregate classification (germline): Uncertain significance (1 of 4 stars; one submission).

Submission:

GeneDx
Classification: Uncertain significance. Last evaluated: 2023-02-09. Review status: criteria provided, single submitter. Criteria: GeneDx Variant Classification Process June 2021. Collection method: clinical testing. Allele origin: germline. Affected: yes.
Comment: Not observed at significant frequency in large population cohorts (gnomAD); In silico analysis supports that this missense variant has a deleterious effect on protein structure/function; Has not been previously published as pathogenic or benign to our knowledge; Variants in candidate genes are classified as variants of uncertain significance in accordance with ACMG guidelines (Richards et al., 2015)

NM_006885.4(ZFHX3):c.6905A>C (p.Glu2302Ala)

Genes: ZFHX3 (zinc finger homeobox 3; minus strand), ZFHX3-AS1 (ZFHX3 antisense RNA 1; plus strand). Cytogenetic location: 16q22.2.
Variant type: single nucleotide variant.
Coding change: c.6905A>C on transcript NM_006885.4 (MANE Select); coding-DNA position 6905, A replaced by C.
Protein change: p.Glu2302Ala; replaces glutamic acid 2302 with alanine.
Molecular consequence: missense variant.
Genome position (GRCh38, 1-based): chr16:72,795,777, T>G on the plus strand (A>C on the coding strand, the complement: ZFHX3 is on the minus strand). VCF-style: chr16-72795777-T-G. GRCh37 (hg19) VCF-style: chr16-72829676-T-G.
Other names: c.4163A>C, p.Glu1388Ala (NM_001164766.2); c.6905A>C, p.Glu2302Ala (NM_001386735.1); short protein forms E1388A, E2302A.
Identifiers: ClinVar variation 3342818 (VCV003342818.1).